The following is an entry in ClinVar:

NM_004562.3(PRKN):c.871+69657G>A

Gene: PRKN (parkin RBR E3 ubiquitin protein ligase; minus strand). Cytogenetic location: 6q26.
Variant type: single nucleotide variant.
Coding change: c.871+69657G>A on transcript NM_004562.3 (MANE Select); 69657 bases into the intron after coding-DNA position 871, G replaced by A.
Molecular consequence: intron variant.
Genome position (GRCh38, 1-based): chr6:161,716,115, C>T on the plus strand (G>A on the coding strand, the complement: PRKN is on the minus strand). VCF-style: chr6-161716115-C-T. GRCh37 (hg19) VCF-style: chr6-162137147-C-T.
Other names: c.424+69657G>A (NM_013988.3); c.787+69657G>A (NM_013987.3); c.871+69657G>A (NM_004562.2).
Identifiers: ClinVar variation 1244140 (VCV001244140.3), dbSNP rs77332950, ClinGen allele CA4090159.

ClinVar aggregate classification (germline): Benign. Review status: criteria provided, multiple submitters, no conflicts (2 of 4 stars). 2 submissions from 2 submitters: Benign (2). Last evaluated 2025-06-17.

Conditions:
PRKN-related disorder. Also called: PRKN-related condition.

Allele frequency attached by ClinVar (database versions not stated): gnomAD exomes 0.09610 and 0.10177; ExAC 0.11225; gnomAD 0.20190 and 0.21089; 1000 Genomes Project 0.20647; 1000 Genomes Project 30x 0.21159; TOPMed 0.21428.
gnomAD v4.1: 144,927 of 1,336,420 alleles (11%); highest among the groups gnomAD compares: African/African-American, 50%; 14,031 homozygotes.

Submissions (2):

PreventionGenetics, part of Exact Sciences
Classification: Benign for PRKN-related condition. Last evaluated: 2025-06-17. Review status: criteria provided, single submitter. Criteria: ACMG Guidelines, 2015. Collection method: clinical testing. Allele origin: germline.
Comment: This variant is classified as benign based on ACMG/AMP sequence variant interpretation guidelines (Richards et al. 2015 PMID: 25741868, with internal and published modifications).

GeneDx
Classification: Benign. Last evaluated: 2021-05-14. Review status: criteria provided, single submitter. Criteria: GeneDx Variant Classification Process June 2021. Collection method: clinical testing. Allele origin: germline. Affected: yes.